The following continues an entry in ClinVar:

NM_000132.4(F8):c.6506G>A (p.Arg2169His)

Gene: F8. ClinVar aggregate classification (germline): Pathogenic. Pathogenic (11).

Literature cited by the submitters, continued: PubMed 31064749 (cited by NIHR Bioresource Rare Diseases, University of Cambridge); PubMed 1908096 (cited by Angelo Bianchi Bonomi Hemophilia and Thrombosis Center, Fondazione IRCCS Ca Granda Ospedale Maggiore Policlinico and OMIM); PubMed 1301932 (cited by Angelo Bianchi Bonomi Hemophilia and Thrombosis Center, Fondazione IRCCS Ca Granda Ospedale Maggiore Policlinico and OMIM); PubMed 1301960 (cited by Angelo Bianchi Bonomi Hemophilia and Thrombosis Center, Fondazione IRCCS Ca Granda Ospedale Maggiore Policlinico and OMIM); PubMed 19719828 (cited by Angelo Bianchi Bonomi Hemophilia and Thrombosis Center, Fondazione IRCCS Ca Granda Ospedale Maggiore Policlinico); PubMed 8639447 (cited by Angelo Bianchi Bonomi Hemophilia and Thrombosis Center, Fondazione IRCCS Ca Granda Ospedale Maggiore Policlinico); PubMed 11857744 (cited by Angelo Bianchi Bonomi Hemophilia and Thrombosis Center, Fondazione IRCCS Ca Granda Ospedale Maggiore Policlinico); PubMed 16769589 (cited by Angelo Bianchi Bonomi Hemophilia and Thrombosis Center, Fondazione IRCCS Ca Granda Ospedale Maggiore Policlinico); PubMed 15921397 (cited by Angelo Bianchi Bonomi Hemophilia and Thrombosis Center, Fondazione IRCCS Ca Granda Ospedale Maggiore Policlinico); PubMed 18387975 (cited by Angelo Bianchi Bonomi Hemophilia and Thrombosis Center, Fondazione IRCCS Ca Granda Ospedale Maggiore Policlinico); PubMed 10896236 (cited by Angelo Bianchi Bonomi Hemophilia and Thrombosis Center, Fondazione IRCCS Ca Granda Ospedale Maggiore Policlinico); PubMed 18691168 (cited by Angelo Bianchi Bonomi Hemophilia and Thrombosis Center, Fondazione IRCCS Ca Granda Ospedale Maggiore Policlinico); PubMed 12871415 (cited by Angelo Bianchi Bonomi Hemophilia and Thrombosis Center, Fondazione IRCCS Ca Granda Ospedale Maggiore Policlinico); PubMed 9569189 (cited by Angelo Bianchi Bonomi Hemophilia and Thrombosis Center, Fondazione IRCCS Ca Granda Ospedale Maggiore Policlinico); PubMed 10910910 (cited by Angelo Bianchi Bonomi Hemophilia and Thrombosis Center, Fondazione IRCCS Ca Granda Ospedale Maggiore Policlinico); PubMed 9829908 (cited by Angelo Bianchi Bonomi Hemophilia and Thrombosis Center, Fondazione IRCCS Ca Granda Ospedale Maggiore Policlinico); PubMed 18565236 (cited by Angelo Bianchi Bonomi Hemophilia and Thrombosis Center, Fondazione IRCCS Ca Granda Ospedale Maggiore Policlinico); PubMed 15625837 (cited by Angelo Bianchi Bonomi Hemophilia and Thrombosis Center, Fondazione IRCCS Ca Granda Ospedale Maggiore Policlinico); PubMed 9326186 (cited by Angelo Bianchi Bonomi Hemophilia and Thrombosis Center, Fondazione IRCCS Ca Granda Ospedale Maggiore Policlinico); PubMed 20800587 (cited by Angelo Bianchi Bonomi Hemophilia and Thrombosis Center, Fondazione IRCCS Ca Granda Ospedale Maggiore Policlinico); PubMed 8490618 (cited by Angelo Bianchi Bonomi Hemophilia and Thrombosis Center, Fondazione IRCCS Ca Granda Ospedale Maggiore Policlinico); PubMed 17445092 (cited by Angelo Bianchi Bonomi Hemophilia and Thrombosis Center, Fondazione IRCCS Ca Granda Ospedale Maggiore Policlinico); PubMed 17222201 (cited by Angelo Bianchi Bonomi Hemophilia and Thrombosis Center, Fondazione IRCCS Ca Granda Ospedale Maggiore Policlinico); PubMed 17610549 (cited by Angelo Bianchi Bonomi Hemophilia and Thrombosis Center, Fondazione IRCCS Ca Granda Ospedale Maggiore Policlinico); PubMed 8584995 (cited by Angelo Bianchi Bonomi Hemophilia and Thrombosis Center, Fondazione IRCCS Ca Granda Ospedale Maggiore Policlinico); PubMed 8547094 (cited by Angelo Bianchi Bonomi Hemophilia and Thrombosis Center, Fondazione IRCCS Ca Granda Ospedale Maggiore Policlinico); PubMed 10338101 (cited by Angelo Bianchi Bonomi Hemophilia and Thrombosis Center, Fondazione IRCCS Ca Granda Ospedale Maggiore Policlinico); PubMed 9452104 (cited by Angelo Bianchi Bonomi Hemophilia and Thrombosis Center, Fondazione IRCCS Ca Granda Ospedale Maggiore Policlinico); PubMed 11442643 (cited by Angelo Bianchi Bonomi Hemophilia and Thrombosis Center, Fondazione IRCCS Ca Granda Ospedale Maggiore Policlinico); PubMed 11341489 (cited by Angelo Bianchi Bonomi Hemophilia and Thrombosis Center, Fondazione IRCCS Ca Granda Ospedale Maggiore Policlinico); PubMed 10404764 (cited by Angelo Bianchi Bonomi Hemophilia and Thrombosis Center, Fondazione IRCCS Ca Granda Ospedale Maggiore Policlinico); PubMed 16972227 (cited by Angelo Bianchi Bonomi Hemophilia and Thrombosis Center, Fondazione IRCCS Ca Granda Ospedale Maggiore Policlinico); PubMed 29296726 (cited by Angelo Bianchi Bonomi Hemophilia and Thrombosis Center, Fondazione IRCCS Ca Granda Ospedale Maggiore Policlinico); PubMed 16173970 (cited by Angelo Bianchi Bonomi Hemophilia and Thrombosis Center, Fondazione IRCCS Ca Granda Ospedale Maggiore Policlinico); PubMed 21883705 (cited by Angelo Bianchi Bonomi Hemophilia and Thrombosis Center, Fondazione IRCCS Ca Granda Ospedale Maggiore Policlinico); PubMed 7728145 (cited by OMIM); PubMed 1671991 (cited by OMIM); PubMed 6438527 (cited by OMIM).